The following is an entry in ClinVar:

NM_003086.4(SNAPC4):c.4203G>C (p.Glu1401Asp)

Gene: SNAPC4 (small nuclear RNA activating complex polypeptide 4; minus strand). Cytogenetic location: 9q34.3.
Variant type: single nucleotide variant.
Coding change: c.4203G>C on transcript NM_003086.4 (MANE Select); coding-DNA position 4203, G replaced by C.
Protein change: p.Glu1401Asp; replaces glutamic acid 1401 with aspartic acid.
Molecular consequence: missense variant.
Genome position (GRCh38, 1-based): chr9:136,377,624, C>G on the plus strand (G>C on the coding strand, the complement: SNAPC4 is on the minus strand). VCF-style: chr9-136377624-C-G. GRCh37 (hg19) VCF-style: chr9-139272076-C-G.
Other names: c.4203G>C, p.Glu1401Asp (NM_001394201.1); c.4119G>C, p.Glu1373Asp (NM_001394202.1, NM_001394203.1); short protein forms E1373D, E1401D.
Identifiers: ClinVar variation 5017083 (VCV005017083.1).

ClinVar aggregate classification (germline): Uncertain significance (1 of 4 stars; one submission).

gnomAD v4.1: 2 of 1,572,486 alleles (0.00013%); highest among the groups gnomAD compares: Admixed American, 0.0037%; no homozygotes.

Submission:

GeneDx
Classification: Uncertain significance. Last evaluated: 2026-03-26. Review status: criteria provided, single submitter. Criteria: GeneDx Variant Classification Process June 2021. Collection method: clinical testing. Allele origin: germline.
Comment: Not observed at significant frequency in large population cohorts (gnomAD); In silico analysis suggests that this missense variant does not alter protein structure/function; Has not been previously published as pathogenic or benign to our knowledge